The following is an entry in ClinVar:

ClinVar aggregate classification (germline): Uncertain significance. Review status: criteria provided, multiple submitters, no conflicts (2 of 4 stars). 2 submissions from 2 submitters: Uncertain significance (2). Last evaluated 2026-01-07.

Conditions:
Hereditary cancer-predisposing syndrome. Also called: Neoplastic Syndromes, Hereditary; Hereditary Cancer Syndrome; Hereditary neoplastic syndrome; Tumor predisposition. Identifiers: Orphanet 140162, MedGen C0027672, MeSH D009386, MONDO:0015356.
EGFR-related lung cancer (EGFR). Identifiers: MedGen CN130014.

Allele frequency attached by ClinVar (database versions not stated): ExAC 0.00001; gnomAD exomes 0.00001 and 0.00002.
gnomAD v4.1: 31 of 1,614,226 alleles (0.0019%); highest among the groups gnomAD compares: Non-Finnish European, 0.0025%; no homozygotes.

Submissions (2):

Labcorp Genetics (formerly Invitae), Labcorp
Classification: Uncertain significance for EGFR-related lung cancer. Last evaluated: 2026-01-07. Review status: criteria provided, single submitter. Criteria: Invitae Variant Classification Sherloc (09022015). Collection method: clinical testing. Allele origin: germline.
Comment: This sequence change replaces glutamic acid, which is acidic and polar, with glycine, which is neutral and non-polar, at codon 519 of the EGFR protein (p.Glu519Gly). This variant is present in population databases (rs749186957, gnomAD 0.003%). This variant has not been reported in the literature in individuals affected with EGFR-related conditions. ClinVar contains an entry for this variant (Variation ID: 1060466). Invitae Evidence Modeling of protein sequence and biophysical properties (such as structural, functional, and spatial information, amino acid conservation, physicochemical variation, residue mobility, and thermodynamic stability) indicates that this missense variant is not expected to disrupt EGFR protein function with a negative predictive value of 80%. Algorithms developed to predict the effect of sequence changes on RNA splicing suggest that this variant may disrupt the consensus splice site. In summary, the available evidence is currently insufficient to determine the role of this variant in disease. Therefore, it has been classified as a Variant of Uncertain Significance.

Ambry Genetics
Classification: Uncertain significance for Hereditary cancer-predisposing syndrome. Last evaluated: 2025-03-26. Review status: criteria provided, single submitter. Criteria: Ambry Variant Classification Scheme 2023. Collection method: clinical testing. Allele origin: germline.
Comment: The p.E519G variant (also known as c.1556A>G), located in coding exon 13 of the EGFR gene, results from an A to G substitution at nucleotide position 1556. The glutamic acid at codon 519 is replaced by glycine, an amino acid with similar properties. This amino acid position is conserved. In addition, this alteration is predicted to be tolerated by in silico analysis. Based on the available evidence, the clinical significance of this variant remains unclear.

NM_005228.5(EGFR):c.1556A>G (p.Glu519Gly)

Gene: EGFR (epidermal growth factor receptor; plus strand). Cytogenetic location: 7p11.2.
Variant type: single nucleotide variant.
Coding change: c.1556A>G on transcript NM_005228.5 (MANE Select); coding-DNA position 1556, A replaced by G.
Protein change: p.Glu519Gly; replaces glutamic acid 519 with glycine.
Molecular consequence: missense variant.
Genome position (GRCh38, 1-based): chr7:55,161,556, A>G. VCF-style: chr7-55161556-A-G. GRCh37 (hg19) VCF-style: chr7-55229249-A-G.
Other names: c.1421A>G, p.Glu474Gly (NM_001346897.2, NM_001346899.2); c.1556A>G, p.Glu519Gly (NM_001346898.2, NM_201282.2, NM_201284.2); c.1397A>G, p.Glu466Gly (NM_001346900.2); c.755A>G, p.Glu252Gly (NM_001346941.2); c.1556A>G (NM_005228.3); short protein forms E252G, E466G, E474G, E519G.
Identifiers: ClinVar variation 1060466 (VCV001060466.8), dbSNP rs749186957, ClinGen allele CA4265615.